The following is an entry in ClinVar:

ClinVar aggregate classification (germline): Uncertain significance (1 of 4 stars; one submission).

Submission:

GeneDx
Classification: Uncertain significance. Last evaluated: 2024-08-17. Review status: criteria provided, single submitter. Criteria: GeneDx Variant Classification Process June 2021. Collection method: clinical testing. Allele origin: germline.
Comment: Not observed at significant frequency in large population cohorts (gnomAD); In silico analysis supports that this missense variant has a deleterious effect on protein structure/function; Has not been previously published as pathogenic or benign to our knowledge.

NM_001009944.3(PKD1):c.8029G>A (p.Glu2677Lys)

Gene: PKD1 (polycystin 1, transient receptor potential channel interacting; minus strand). Cytogenetic location: 16p13.3.
Variant type: single nucleotide variant.
Coding change: c.8029G>A on transcript NM_001009944.3 (MANE Select); coding-DNA position 8029, G replaced by A.
Protein change: p.Glu2677Lys; replaces glutamic acid 2677 with lysine.
Molecular consequence: missense variant.
Genome position (GRCh38, 1-based): chr16:2,104,630, C>T on the plus strand (G>A on the coding strand, the complement: PKD1 is on the minus strand). VCF-style: chr16-2104630-C-T. GRCh37 (hg19) VCF-style: chr16-2154631-C-T.
Other names: c.8029G>A, p.Glu2677Lys (NM_000296.4); short protein forms E2677K.
Identifiers: ClinVar variation 2580808 (VCV002580808.2), dbSNP rs2544758418, ClinGen allele CA394365635.